The following is an entry in ClinVar:

ClinVar aggregate classification (germline): Uncertain significance (1 of 4 stars; one submission).

Allele frequency attached by ClinVar (database versions not stated): gnomAD 0.00001; TOPMed 0.00002.
gnomAD v4.1: 23 of 1,489,294 alleles (0.0015%); highest among the groups gnomAD compares: Non-Finnish European, 0.002%; no homozygotes.

Submission:

Labcorp Genetics (formerly Invitae), Labcorp
Classification: Uncertain significance. Last evaluated: 2024-01-08. Review status: criteria provided, single submitter. Criteria: Invitae Variant Classification Sherloc (09022015). Collection method: clinical testing. Allele origin: germline.
Comment: This sequence change replaces leucine, which is neutral and non-polar, with serine, which is neutral and polar, at codon 345 of the POLE2 protein (p.Leu345Ser). This variant is present in population databases (no rsID available, gnomAD 0.001%). This variant has not been reported in the literature in individuals affected with POLE2-related conditions. An algorithm developed to predict the effect of missense changes on protein structure and function (PolyPhen-2) suggests that this variant is likely to be disruptive. In summary, the available evidence is currently insufficient to determine the role of this variant in disease. Therefore, it has been classified as a Variant of Uncertain Significance.

NM_002692.4(POLE2):c.1034T>C (p.Leu345Ser)

Gene: POLE2 (DNA polymerase epsilon 2, accessory subunit; minus strand). Cytogenetic location: 14q21.3.
Variant type: single nucleotide variant.
Coding change: c.1034T>C on transcript NM_002692.4 (MANE Select); coding-DNA position 1034, T replaced by C.
Protein change: p.Leu345Ser; replaces leucine 345 with serine.
Molecular consequence: missense variant.
Genome position (GRCh38, 1-based): chr14:49,654,823, A>G on the plus strand (T>C on the coding strand, the complement: POLE2 is on the minus strand). VCF-style: chr14-49654823-A-G. GRCh37 (hg19) VCF-style: chr14-50121541-A-G.
Other names: c.956T>C, p.Leu319Ser (NM_001197330.2); c.1034T>C, p.Leu345Ser (NM_001197331.3, NM_001348384.2); c.803T>C, p.Leu268Ser (NM_001348385.2); short protein forms L268S, L345S, L319S.
Identifiers: ClinVar variation 2786849 (VCV002786849.3), dbSNP rs368223418, ClinGen allele CA389603289.
Genomic context (GRCh38, chr14:49,654,823, plus strand): 5'-TATAGTGCTAGAGATCATTACCTTTGGTGAATATCTGGGTATTCACATATTATATCTGCC[A>G]AAGTTTTTAGGGAATCTAAAATTTTAAAAAGGTATTGAATTAAATTTGCATATAATGCCA-3'
Protein context (NP_002683.2, residues 335-355): VQALKDSLKT[Leu345Ser]ADIICEYPDI